The following is an entry in ClinVar:

NM_001276345.2(TNNT2):c.115del (p.Glu39fs)

Gene: TNNT2 (troponin T2, cardiac type; minus strand). Cytogenetic location: 1q32.1.
Variant type: Deletion.
Coding change: c.115del on transcript NM_001276345.2 (MANE Select); coding-DNA position 115, one base deleted (G; older notation c.115delG).
Protein change: p.Glu39fs; shifts the reading frame from glutamic acid 39.
Molecular consequence: frameshift variant.
Genome position (GRCh38, 1-based): chr1:201,368,210, C deleted on the plus strand (G on the coding strand, the reverse complement: TNNT2 is on the minus strand); the first of 2 consecutive C bases (chr1:201,368,210-201,368,211); deleting either gives the same sequence. VCF-style (leftmost placement, unchanged base first): chr1-201368209-TC-T. GRCh37 (hg19) VCF-style: chr1-201337337-TC-T.
Other names: c.115del, p.Glu39fs (NM_000364.4, NM_001276346.2); c.85del, p.Glu29fs (NM_001001430.3, NM_001001431.3, NM_001276347.2); c.70del, p.Glu24fs (NM_001001432.3); short protein forms E29fs, E24fs, E39fs.
Identifiers: ClinVar variation 437409 (VCV000437409.2), dbSNP rs1553284388, ClinGen allele CA645372352.

ClinVar aggregate classification (germline): Uncertain significance (1 of 4 stars; one submission).

Conditions:
Dilated cardiomyopathy 1D. Identifiers: Orphanet 154, Orphanet 54260, MedGen C1832243, MONDO:0011095, OMIM 601494.

Submission:

Center of Genomic medicine, Geneva, University Hospital of Geneva
Classification: Uncertain significance for Dilated cardiomyopathy 1D. Last evaluated: 2016-11-21. Review status: criteria provided, single submitter. Criteria: ACMG Guidelines, 2015. Collection method: clinical testing. Allele origin: paternal. Affected: yes.